The following is an entry in ClinVar:

NM_001572.5(IRF7):c.1470C>T (p.Asp490=)

Gene: IRF7 (interferon regulatory factor 7; minus strand). Cytogenetic location: 11p15.5.
Variant type: single nucleotide variant.
Coding change: c.1470C>T on transcript NM_001572.5 (MANE Select); coding-DNA position 1470, C replaced by T.
Protein change: p.Asp490=; no amino-acid change (aspartic acid 490 retained).
Molecular consequence: synonymous variant.
Genome position (GRCh38, 1-based): chr11:612,687, G>A on the plus strand (C>T on the coding strand, the complement: IRF7 is on the minus strand). VCF-style: chr11-612687-G-A. GRCh37 (hg19) VCF-style: chr11-612687-G-A.
Other names: c.1383C>T, p.Asp461= (NM_004029.4); c.1509C>T, p.Asp503= (NM_004031.4).
Identifiers: ClinVar variation 1673913 (VCV001673913.10), dbSNP rs768723507, ClinGen allele CA5783435.
Genomic context (GRCh38, chr11:612,687, plus strand): 5'-TTCTCATTAGACTGGGTTCTAGGCGGGCTGCTCCAGCTCCATAAGGAAGCACTCGATGTC[G>A]TCATAGAGGCTGTTGGCGCTGGACAGGCAGAGGCTGAGGCTGCTGCTATCCAGGGAAGAC-3'
Protein context (NP_001563.2, residues 480-500): LCLSSANSLY[Asp490=]DIECFLMELE

ClinVar aggregate classification (germline): Likely benign. Review status: criteria provided, multiple submitters, no conflicts (2 of 4 stars). 3 submissions from 3 submitters: Likely benign (3). Last evaluated 2026-09-01.

Conditions:
Immunodeficiency 39 (IMD39). Identifiers: Orphanet 574918, MedGen C4225358, MONDO:0014597, OMIM 616345.

Allele frequency attached by ClinVar (database versions not stated): ExAC 0.00006; gnomAD exomes 0.00006 and 0.00011; gnomAD 0.00012 and 0.00013; TOPMed 0.00013.
gnomAD v4.1: 175 of 1,613,142 alleles (0.011%); highest among the groups gnomAD compares: African/African-American, 0.017%; no homozygotes.

Submissions (3):

CeGaT Center for Human Genetics Tuebingen
Classification: Likely benign. Last evaluated: 2026-09-01. Review status: criteria provided, single submitter. Criteria: CeGaT Center For Human Genetics Tuebingen Variant Classification Criteria Version 2. Collection method: clinical testing. Allele origin: germline. Affected: yes. Observed: 1 variant allele.
Comment: IRF7: BP4, BP7

Labcorp Genetics (formerly Invitae), Labcorp
Classification: Likely benign for Immunodeficiency 39. Last evaluated: 2025-12-17. Review status: criteria provided, single submitter. Criteria: Invitae Variant Classification Sherloc (09022015). Collection method: clinical testing. Allele origin: germline.

Blueprint Genetics
Classification: Likely benign. Last evaluated: 2023-11-27. Review status: criteria provided, single submitter. Criteria: ACMG Guidelines, 2015. Collection method: clinical testing. Allele origin: germline.